The following is an entry in ClinVar:

ClinVar aggregate classification (germline): Uncertain significance (1 of 4 stars; one submission).

Conditions:
Familial hemophagocytic lymphohistiocytosis 4 (FHL4). Also called: STX11-Related Familial Hemophagocytic Lymphohistiocytosis (STX11-fHLH). Identifiers: Orphanet 540, MedGen C1863728, MONDO:0011336, OMIM 603552.

Allele frequency attached by ClinVar (database versions not stated): gnomAD exomes below 0.00001; ExAC 0.00001; gnomAD 0.00001; TOPMed 0.00002.
gnomAD v4.1: 1 of 1,614,030 alleles (0.000062%); highest among the groups gnomAD compares: Non-Finnish European, 0.000085%; no homozygotes.

Submission:

Labcorp Genetics (formerly Invitae), Labcorp
Classification: Uncertain significance for Familial hemophagocytic lymphohistiocytosis 4. Last evaluated: 2021-08-14. Review status: criteria provided, single submitter. Criteria: Invitae Variant Classification Sherloc (09022015). Collection method: clinical testing. Allele origin: germline.
Comment: This sequence change replaces glutamic acid with alanine at codon 7 of the STX11 protein (p.Glu7Ala). The glutamic acid residue is moderately conserved and there is a moderate physicochemical difference between glutamic acid and alanine. This variant is present in population databases (rs201888313, ExAC 0.01%). This variant has not been reported in the literature in individuals affected with STX11-related conditions. Algorithms developed to predict the effect of missense changes on protein structure and function are either unavailable or do not agree on the potential impact of this missense change (SIFT: "Tolerated"; PolyPhen-2: "Possibly Damaging"; Align-GVGD: "Class C0"). In summary, the available evidence is currently insufficient to determine the role of this variant in disease. Therefore, it has been classified as a Variant of Uncertain Significance.

NM_003764.4(STX11):c.20A>C (p.Glu7Ala)

Gene: STX11 (syntaxin 11; plus strand). Cytogenetic location: 6q24.2.
Variant type: single nucleotide variant.
Coding change: c.20A>C on transcript NM_003764.4 (MANE Select); coding-DNA position 20, A replaced by C.
Protein change: p.Glu7Ala; replaces glutamic acid 7 with alanine.
Molecular consequence: missense variant.
Genome position (GRCh38, 1-based): chr6:144,186,647, A>C. VCF-style: chr6-144186647-A-C. GRCh37 (hg19) VCF-style: chr6-144507784-A-C.
Other names: short protein forms E7A.
Identifiers: ClinVar variation 1402492 (VCV001402492.5), dbSNP rs201888313, ClinGen allele CA4031596.